The following is an entry in ClinVar:

NM_024809.5(TCTN2):c.1234+5C>G

Gene: TCTN2 (tectonic family member 2; plus strand). Cytogenetic location: 12q24.31.
Variant type: single nucleotide variant.
Coding change: c.1234+5C>G on transcript NM_024809.5 (MANE Select); 5 bases into the intron after coding-DNA position 1234, C replaced by G.
Molecular consequence: intron variant.
Genome position (GRCh38, 1-based): chr12:123,694,981, C>G. VCF-style: chr12-123694981-C-G. GRCh37 (hg19) VCF-style: chr12-124179528-C-G.
Other names: c.1231+5C>G (NM_001143850.3).
Identifiers: ClinVar variation 408315 (VCV000408315.7), dbSNP rs201382614, ClinGen allele CA6861136.

ClinVar aggregate classification (germline): Uncertain significance. Review status: criteria provided, multiple submitters, no conflicts (2 of 4 stars). 2 submissions from 2 submitters: Uncertain significance (2). Last evaluated 2023-12-12.

Conditions:
Meckel-Gruber syndrome. Also called: Dysencephalia splachnocystica; GRUBER SYNDROME; DYSENCEPHALIA SPLANCHNOCYSTICA. Identifiers: Orphanet 564, MedGen C0265215, MONDO:0018921.
Joubert syndrome. Also called: JOUBERT-BOLTSHAUSER SYNDROME; Familial aplasia of the vermis; CEREBELLOPARENCHYMAL DISORDER IV. Identifiers: Orphanet 475, MedGen C5979921, MONDO:0018772.

Allele frequency attached by ClinVar (database versions not stated): gnomAD exomes below 0.00001 and 0.00001; ExAC 0.00001; gnomAD 0.00011; 1000 Genomes Project 0.00020; TOPMed 0.00026; 1000 Genomes Project 30x 0.00031.
gnomAD v4.1: 24 of 1,613,092 alleles (0.0015%); highest among the groups gnomAD compares: Admixed American, 0.03%; no homozygotes.

Submissions (2):

Women's Health and Genetics/Laboratory Corporation of America, LabCorp
Classification: Uncertain significance. Last evaluated: 2023-12-12. Review status: criteria provided, single submitter. Criteria: LabCorp Variant Classification Summary - May 2015. Collection method: clinical testing. Allele origin: germline.

Labcorp Genetics (formerly Invitae), Labcorp
Classification: Uncertain significance for Joubert syndrome; Meckel-Gruber syndrome. Last evaluated: 2022-10-13. Review status: criteria provided, single submitter. Criteria: Invitae Variant Classification Sherloc (09022015). Collection method: clinical testing. Allele origin: germline.
Comment: This sequence change falls in intron 10 of the TCTN2 gene. It does not directly change the encoded amino acid sequence of the TCTN2 protein. It affects a nucleotide within the consensus splice site. This variant is present in population databases (rs201382614, gnomAD 0.003%). This variant has not been reported in the literature in individuals affected with TCTN2-related conditions. ClinVar contains an entry for this variant (Variation ID: 408315). Variants that disrupt the consensus splice site are a relatively common cause of aberrant splicing (PMID: 17576681, 9536098). Algorithms developed to predict the effect of sequence changes on RNA splicing suggest that this variant is not likely to affect RNA splicing. In summary, the available evidence is currently insufficient to determine the role of this variant in disease. Therefore, it has been classified as a Variant of Uncertain Significance.

Literature cited by the submitters: PubMed 17576681 (cited by Labcorp Genetics (formerly Invitae), Labcorp); PubMed 9536098 (cited by Labcorp Genetics (formerly Invitae), Labcorp).